The following is an entry in ClinVar:

ClinVar aggregate classification (germline): Uncertain significance (1 of 4 stars; one submission).

Conditions:
Early-infantile DEE. Also called: Early infantile epileptic encephalopathy with suppression bursts; Early infantile epileptic encephalopathy; Ohtahara syndrome. Identifiers: Orphanet 1934, MedGen C0393706, MONDO:0800491.

Submission:

Labcorp Genetics (formerly Invitae), Labcorp
Classification: Uncertain significance for Early-infantile DEE. Last evaluated: 2024-09-05. Review status: criteria provided, single submitter. Criteria: Invitae Variant Classification Sherloc (09022015). Collection method: clinical testing. Allele origin: germline.
Comment: This sequence change replaces aspartic acid, which is acidic and polar, with glutamic acid, which is acidic and polar, at codon 470 of the KCNQ2 protein (p.Asp470Glu). This variant is not present in population databases (gnomAD no frequency). This variant has not been reported in the literature in individuals affected with KCNQ2-related conditions. ClinVar contains an entry for this variant (Variation ID: 1714576). An algorithm developed to predict the effect of missense changes on protein structure and function (PolyPhen-2) suggests that this variant is likely to be tolerated. In summary, the available evidence is currently insufficient to determine the role of this variant in disease. Therefore, it has been classified as a Variant of Uncertain Significance.

NM_172107.4(KCNQ2):c.1410C>G (p.Asp470Glu)

Gene: KCNQ2 (potassium voltage-gated channel subfamily Q member 2; minus strand). Cytogenetic location: 20q13.33.
Variant type: single nucleotide variant.
Coding change: c.1410C>G on transcript NM_172107.4 (MANE Select); coding-DNA position 1410, C replaced by G.
Protein change: p.Asp470Glu; replaces aspartic acid 470 with glutamic acid.
Molecular consequence: missense variant.
Genome position (GRCh38, 1-based): chr20:63,415,018, G>C on the plus strand (C>G on the coding strand, the complement: KCNQ2 is on the minus strand). VCF-style: chr20-63415018-G-C. GRCh37 (hg19) VCF-style: chr20-62046371-G-C.
Other names: c.1356C>G, p.Asp452Glu (NM_001382235.1, NM_172106.3); c.1326C>G, p.Asp442Glu (NM_004518.6); c.1320C>G, p.Asp440Glu (NM_172108.5); short protein forms D440E, D442E, D452E, D470E.
Identifiers: ClinVar variation 1714576 (VCV001714576.5), dbSNP rs2080241583, ClinGen allele CA409646646.